The following is an entry in ClinVar:

ClinVar aggregate classification (germline): Uncertain significance (1 of 4 stars; one submission).

Conditions:
Kabuki syndrome. Also called: Kabuki make-up syndrome; NIIKAWA-KUROKI SYNDROME. Identifiers: Orphanet 2322, MedGen C0796004, MONDO:0016512.

Allele frequency attached by ClinVar (database versions not stated): gnomAD exomes below 0.00001.
gnomAD v4.1: 1 of 1,613,674 alleles (0.000062%); highest among the groups gnomAD compares: African/African-American, 0.0013%; no homozygotes.

Submission:

Labcorp Genetics (formerly Invitae), Labcorp
Classification: Uncertain significance for Kabuki syndrome. Last evaluated: 2022-08-27. Review status: criteria provided, single submitter. Criteria: Invitae Variant Classification Sherloc (09022015). Collection method: clinical testing. Allele origin: germline.
Comment: This sequence change replaces alanine, which is neutral and non-polar, with serine, which is neutral and polar, at codon 3678 of the KMT2D protein (p.Ala3678Ser). This variant is not present in population databases (gnomAD no frequency). This variant has not been reported in the literature in individuals affected with KMT2D-related conditions. Advanced modeling of protein sequence and biophysical properties (such as structural, functional, and spatial information, amino acid conservation, physicochemical variation, residue mobility, and thermodynamic stability) performed at Invitae indicates that this missense variant is not expected to disrupt KMT2D protein function. Algorithms developed to predict the effect of sequence changes on RNA splicing suggest that this variant may create or strengthen a splice site. In summary, the available evidence is currently insufficient to determine the role of this variant in disease. Therefore, it has been classified as a Variant of Uncertain Significance.

NM_003482.4(KMT2D):c.11032G>T (p.Ala3678Ser)

Gene: KMT2D (lysine methyltransferase 2D; minus strand). Cytogenetic location: 12q13.12.
Variant type: single nucleotide variant.
Coding change: c.11032G>T on transcript NM_003482.4 (MANE Select); coding-DNA position 11032, G replaced by T.
Protein change: p.Ala3678Ser; replaces alanine 3678 with serine.
Molecular consequence: missense variant.
Genome position (GRCh38, 1-based): chr12:49,033,673, C>A on the plus strand (G>T on the coding strand, the complement: KMT2D is on the minus strand). VCF-style: chr12-49033673-C-A. GRCh37 (hg19) VCF-style: chr12-49427456-C-A.
Other names: short protein forms A3678S.
Identifiers: ClinVar variation 1718170 (VCV001718170.5), dbSNP rs2120445080, ClinGen allele CA384724107.